The following is an entry in ClinVar:

ClinVar aggregate classification (germline): Uncertain significance (1 of 4 stars; one submission).

Conditions:
Combined immunodeficiency due to OX40 deficiency. Also called: Immunodeficiency 16; OX40 DEFICIENCY. Identifiers: Orphanet 431149, MedGen C3810053, MONDO:0014268, OMIM 615593.

Submission:

Labcorp Genetics (formerly Invitae), Labcorp
Classification: Uncertain significance for Combined immunodeficiency due to OX40 deficiency. Last evaluated: 2023-08-30. Review status: criteria provided, single submitter. Criteria: Invitae Variant Classification Sherloc (09022015). Collection method: clinical testing. Allele origin: germline.
Comment: In summary, the available evidence is currently insufficient to determine the role of this variant in disease. Therefore, it has been classified as a Variant of Uncertain Significance. Advanced modeling of protein sequence and biophysical properties (such as structural, functional, and spatial information, amino acid conservation, physicochemical variation, residue mobility, and thermodynamic stability) performed at Invitae indicates that this missense variant is not expected to disrupt TNFRSF4 protein function. This variant has not been reported in the literature in individuals affected with TNFRSF4-related conditions. This variant is not present in population databases (gnomAD no frequency). This sequence change replaces leucine, which is neutral and non-polar, with arginine, which is basic and polar, at codon 29 of the TNFRSF4 protein (p.Leu29Arg).

NM_003327.4(TNFRSF4):c.86T>G (p.Leu29Arg)

Gene: TNFRSF4 (TNF receptor superfamily member 4; minus strand). Cytogenetic location: 1p36.33.
Variant type: single nucleotide variant.
Coding change: c.86T>G on transcript NM_003327.4 (MANE Select); coding-DNA position 86, T replaced by G.
Protein change: p.Leu29Arg; replaces leucine 29 with arginine.
Molecular consequence: missense variant.
Genome position (GRCh38, 1-based): chr1:1,214,042, A>C on the plus strand (T>G on the coding strand, the complement: TNFRSF4 is on the minus strand). VCF-style: chr1-1214042-A-C. GRCh37 (hg19) VCF-style: chr1-1149422-A-C.
Other names: c.86T>G, p.Leu29Arg (NM_001410709.1); short protein forms L29R.
Identifiers: ClinVar variation 2756676 (VCV002756676.3), dbSNP rs2521781835, ClinGen allele CA337802905.